The following is an entry in ClinVar:

NM_005677.4(COLQ):c.109dup (p.Leu37fs)

Gene: COLQ (collagen like tail subunit of asymmetric acetylcholinesterase; minus strand). Cytogenetic location: 3p25.1.
Variant type: Duplication.
Coding change: c.109dup on transcript NM_005677.4 (MANE Select); coding-DNA position 109, one base duplicated (C; older notation c.109dupC).
Protein change: p.Leu37fs; shifts the reading frame from leucine 37.
Molecular consequence: frameshift variant.
Genome position (GRCh38, 1-based): chr3:15,489,635, G duplicated on the plus strand (C on the coding strand, the reverse complement: COLQ is on the minus strand); the first of 3 consecutive G bases (chr3:15,489,635-15,489,637); duplicating any one gives the same sequence. VCF-style (leftmost placement, unchanged base first): chr3-15489634-A-AG. GRCh37 (hg19) VCF-style: chr3-15531141-A-AG.
Other names: c.79dup, p.Leu27fs (NM_080538.2); c.109dup, p.Leu37fs (NM_080539.4); short protein forms L37fs, L27fs.
Identifiers: ClinVar variation 2017269 (VCV002017269.4), dbSNP rs2470924143, ClinGen allele CA2580068509.

ClinVar aggregate classification (germline): Pathogenic (1 of 4 stars; one submission).

Conditions:
Congenital myasthenic syndrome 5. Identifiers: Orphanet 590, MedGen C1864233, MONDO:0011281, OMIM 603034.

Submission:

Labcorp Genetics (formerly Invitae), Labcorp
Classification: Pathogenic for Congenital myasthenic syndrome 5. Last evaluated: 2022-07-15. Review status: criteria provided, single submitter. Criteria: Invitae Variant Classification Sherloc (09022015). Collection method: clinical testing. Allele origin: germline.
Comment: This sequence change creates a premature translational stop signal (p.Leu37Profs*97) in the COLQ gene. It is expected to result in an absent or disrupted protein product. Loss-of-function variants in COLQ are known to be pathogenic (PMID: 22678886). This variant is not present in population databases (gnomAD no frequency). This variant has not been reported in the literature in individuals affected with COLQ-related conditions. For these reasons, this variant has been classified as Pathogenic.

Literature cited by the submitters: PubMed 22678886.